The following is an entry in ClinVar:

NM_000138.5(FBN1):c.155_156delinsTT (p.Ala52Val)

Gene: FBN1 (fibrillin 1; minus strand). Cytogenetic location: 15q21.1.
Variant type: Indel.
Coding change: c.155_156delinsTT on transcript NM_000138.5 (MANE Select); coding-DNA positions 155 to 156, CG replaced by TT.
Protein change: p.Ala52Val; replaces alanine 52 with valine.
Molecular consequence: missense variant.
Genome position (GRCh38, 1-based): chr15:48,644,614-48,644,615, CG replaced by AA on the plus strand (CG replaced by TT on the coding strand, the reverse complement: FBN1 is on the minus strand). VCF-style: chr15-48644614-CG-AA. GRCh37 (hg19) VCF-style: chr15-48936811-CG-AA.
Other names: c.155_156delCGinsTT (NM_000138.4); short protein forms A52V.
Identifiers: ClinVar variation 1195844 (VCV001195844.6), dbSNP rs2140787437, ClinGen allele CA2499223018.

ClinVar aggregate classification (germline): Uncertain significance. Review status: criteria provided, multiple submitters, no conflicts (2 of 4 stars). 2 submissions from 2 submitters: Uncertain significance (2). Last evaluated 2025-03-30.

Conditions:
Marfan syndrome (MFS). Also called: MARFAN SYNDROME, TYPE I; Marfan syndrome type 1; Marfan's syndrome; Marfan syndrome, classic; FBN1-Related Marfan Syndrome. Identifiers: Orphanet 284963, Orphanet 558, MedGen C0024796, MONDO:0007947, OMIM 154700.
Familial thoracic aortic aneurysm and aortic dissection (TAAD). Also called: Thoracic aortic aneurysms and dissections. Identifiers: Orphanet 91387, MedGen C4707243, MONDO:0019625.

Submissions (2):

Labcorp Genetics (formerly Invitae), Labcorp
Classification: Uncertain significance for Marfan syndrome; Familial thoracic aortic aneurysm and aortic dissection. Last evaluated: 2025-03-30. Review status: criteria provided, single submitter. Criteria: Invitae Variant Classification Sherloc (09022015). Collection method: clinical testing. Allele origin: germline.
Comment: This sequence change replaces alanine, which is neutral and non-polar, with valine, which is neutral and non-polar, at codon 52 of the FBN1 protein (p.Ala52Val). This variant is present in population databases (no rsID available, gnomAD 0.001%). This variant has not been reported in the literature in individuals affected with FBN1-related conditions. ClinVar contains an entry for this variant (Variation ID: 1195844). An algorithm developed to predict the effect of missense changes on protein structure and function (PolyPhen-2) suggests that this variant is likely to be tolerated. In summary, the available evidence is currently insufficient to determine the role of this variant in disease. Therefore, it has been classified as a Variant of Uncertain Significance.

GeneDx
Classification: Uncertain significance. Last evaluated: 2023-01-10. Review status: criteria provided, single submitter. Criteria: GeneDx Variant Classification Process June 2021. Collection method: clinical testing. Allele origin: germline. Affected: yes.
Comment: Not observed at a significant frequency in large population cohorts (gnomAD); Has not been previously published as pathogenic or benign to our knowledge; In silico analysis, which includes protein predictors and evolutionary conservation, supports that this variant does not alter protein structure/function; Does not affect a cysteine residue within a calcium-binding EGF-like domain or a TGF-binding protein domain of the FBN1 gene; cysteine substitutions in the calcium-binding EGF-like domains represent the majority of pathogenic missense changes associated with FBN1-related disorders (Collod-Beroud et al., 2003)